The following is an entry in ClinVar:

NM_004380.3(CREBBP):c.5178C>T (p.Tyr1726=)

Gene: CREBBP (CREB binding lysine acetyltransferase; minus strand). Cytogenetic location: 16p13.3.
Variant type: single nucleotide variant.
Coding change: c.5178C>T on transcript NM_004380.3 (MANE Select); coding-DNA position 5178, C replaced by T.
Protein change: p.Tyr1726=; no amino-acid change (tyrosine 1726 retained).
Molecular consequence: synonymous variant.
Genome position (GRCh38, 1-based): chr16:3,729,869, G>A on the plus strand (C>T on the coding strand, the complement: CREBBP is on the minus strand). VCF-style: chr16-3729869-G-A. GRCh37 (hg19) VCF-style: chr16-3779870-G-A.
Other names: c.5064C>T, p.Tyr1688= (NM_001079846.1); c.5178C>T (NM_004380.2).
Identifiers: ClinVar variation 2156026 (VCV002156026.6), dbSNP rs752909743, ClinGen allele CA7869316.

ClinVar aggregate classification (germline): Benign/Likely benign. Review status: criteria provided, multiple submitters, no conflicts (2 of 4 stars). 3 submissions from 3 submitters: Benign (1); Likely benign (1). 1 of the submissions does not count toward it. Last evaluated 2025-10-15.

Conditions:
CREBBP-related disorder. Also called: CREBBP-related condition; CREBBP-related disorders.
Rubinstein-Taybi syndrome (RSTS). Identifiers: Orphanet 783, MedGen C0035934, MONDO:0019188.

Allele frequency attached by ClinVar (database versions not stated): gnomAD exomes 0.00002; ExAC 0.00003; gnomAD 0.00004; TOPMed 0.00005.
gnomAD v4.1: 31 of 1,601,114 alleles (0.0019%); highest among the groups gnomAD compares: East Asian, 0.0067%; no homozygotes.

Submissions (3):

Labcorp Genetics (formerly Invitae), Labcorp
Classification: Benign for Rubinstein-Taybi syndrome. Last evaluated: 2025-10-15. Review status: criteria provided, single submitter. Criteria: Invitae Variant Classification Sherloc (09022015). Collection method: clinical testing. Allele origin: germline.

Blueprint Genetics
Classification: Likely benign. Last evaluated: 2024-03-14. Review status: criteria provided, single submitter. Criteria: ACMG Guidelines, 2015. Collection method: clinical testing. Allele origin: germline.

PreventionGenetics, part of Exact Sciences
Classification: Likely benign for CREBBP-related condition. Last evaluated: 2024-07-23. Review status: no assertion criteria provided. Collection method: clinical testing. Allele origin: germline. Not counted in ClinVar's aggregate classification.
Comment: This variant is classified as likely benign based on ACMG/AMP sequence variant interpretation guidelines (Richards et al. 2015 PMID: 25741868, with internal and published modifications).